The following is an entry in ClinVar:

NM_024675.4(PALB2):c.3228T>G (p.His1076Gln)

Gene: PALB2 (partner and localizer of BRCA2; minus strand). Cytogenetic location: 16p12.2.
Variant type: single nucleotide variant.
Coding change: c.3228T>G on transcript NM_024675.4 (MANE Select); coding-DNA position 3228, T replaced by G.
Protein change: p.His1076Gln; replaces histidine 1076 with glutamine.
Molecular consequence: missense variant.
Genome position (GRCh38, 1-based): chr16:23,607,986, A>C on the plus strand (T>G on the coding strand, the complement: PALB2 is on the minus strand). VCF-style: chr16-23607986-A-C. GRCh37 (hg19) VCF-style: chr16-23619307-A-C.
Other names: short protein forms H1076Q.
Identifiers: ClinVar variation 1516714 (VCV001516714.9), dbSNP rs762367769, ClinGen allele CA395139996.
Genomic context (GRCh38, chr16:23,607,986, plus strand): 5'-GTTAATCACAATGAGCTGAAACACAGGGCTTCGCAACGACTCACTCTCTTTGGCACAGGG[A>C]TGACTCAGGACAATAAAGAGAAGCCCCTAATTTCGGAGAAAAATAAATATCCCAAATAGA-3'
Protein context (NP_078951.2, residues 1066-1086): EMGLLFIVLS[His1076Gln]PCAKESESLR

ClinVar aggregate classification (germline): Uncertain significance (1 of 4 stars; one submission).

Conditions:
Familial cancer of breast. Also called: Hereditary breast cancer; hereditary breast carcinoma; BREAST CANCER, FAMILIAL. Identifiers: Orphanet 227535, MedGen C0346153, MONDO:0016419, OMIM 114480. Disease mechanism: loss of function.

Submission:

Labcorp Genetics (formerly Invitae), Labcorp
Classification: Uncertain significance for Familial cancer of breast. Last evaluated: 2021-03-14. Review status: criteria provided, single submitter. Criteria: Invitae Variant Classification Sherloc (09022015). Collection method: clinical testing. Allele origin: germline.
Comment: This variant is not present in population databases (ExAC no frequency). This sequence change replaces histidine with glutamine at codon 1076 of the PALB2 protein (p.His1076Gln). The histidine residue is moderately conserved and there is a small physicochemical difference between histidine and glutamine. In summary, the available evidence is currently insufficient to determine the role of this variant in disease. Therefore, it has been classified as a Variant of Uncertain Significance. Algorithms developed to predict the effect of missense changes on protein structure and function (SIFT, PolyPhen-2, Align-GVGD) all suggest that this variant is likely to be tolerated, but these predictions have not been confirmed by published functional studies and their clinical significance is uncertain. This variant has not been reported in the literature in individuals with PALB2-related conditions.